The following is an entry in ClinVar:

NM_201384.3(PLEC):c.5533G>T (p.Ala1845Ser)

Gene: PLEC (plectin; minus strand). Cytogenetic location: 8q24.3.
Variant type: single nucleotide variant.
Coding change: c.5533G>T on transcript NM_201384.3 (MANE Select); coding-DNA position 5533, G replaced by T.
Protein change: p.Ala1845Ser; replaces alanine 1845 with serine.
Molecular consequence: missense variant. On other transcripts: intron variant (1).
Genome position (GRCh38, 1-based): chr8:143,924,396, C>A on the plus strand (G>T on the coding strand, the complement: PLEC is on the minus strand). VCF-style: chr8-143924396-C-A. GRCh37 (hg19) VCF-style: chr8-144998564-C-A.
Other names: c.5614G>T, p.Ala1872Ser (NM_000445.5); c.5491G>T, p.Ala1831Ser (NM_201378.4); c.5467G>T, p.Ala1823Ser (NM_201379.3); c.5944G>T, p.Ala1982Ser (NM_201380.4); c.5437G>T, p.Ala1813Ser (NM_201381.3); c.5533G>T, p.Ala1845Ser (NM_201382.4); c.5545G>T, p.Ala1849Ser (NM_201383.3); c.4126-2001G>T (NM_001410941.1); short protein forms A1845S, A1982S, A1849S, A1872S, A1813S, A1823S, A1831S.
Identifiers: ClinVar variation 2932253 (VCV002932253.3), dbSNP rs1554697089, ClinGen allele CA372544113.

ClinVar aggregate classification (germline): Uncertain significance (1 of 4 stars; one submission).

Conditions:
Epidermolysis bullosa simplex with nail dystrophy (EBS5D). Identifiers: MedGen C4225309, MONDO:0014661, OMIM 616487.
Epidermolysis bullosa simplex 5C, with pyloric atresia (EBS5C). Also called: PLEC-Related Epidermolysis Bullosa with Pyloric Atresia; Epidermolysis bullosa simplex with pyloric atresia; PLEC1-Related Epidermolysis Bullosa with Pyloric Atresia. Identifiers: Orphanet 158684, MedGen C2677349, MONDO:0012807, OMIM 612138.
Autosomal recessive limb-girdle muscular dystrophy type 2Q (LGMDR17). Also called: MUSCULAR DYSTROPHY, LIMB-GIRDLE, AUTOSOMAL RECESSIVE 17. Identifiers: Orphanet 254361, MedGen C3150989, MONDO:0013390, OMIM 613723.
Epidermolysis bullosa simplex, Ogna type (EBS5A). Also called: Pidermolysis bullosa simplex 5A, Ogna type; EPIDERMOLYSIS BULLOSA SIMPLEX 5A, OGNA TYPE. Identifiers: Orphanet 79401, MedGen C0432317, MONDO:0007555, OMIM 131950.
Epidermolysis bullosa simplex 5B, with muscular dystrophy (EBS5B). Also called: EPIDERMOLYSIS BULLOSA SIMPLEX AND LIMB-GIRDLE MUSCULAR DYSTROPHY; Epidermolysis bullosa simplex with muscular dystrophy. Identifiers: Orphanet 257, MedGen C2931072, MONDO:0009181, OMIM 226670.

gnomAD v4.1: 2 of 1,594,986 alleles (0.00013%); no homozygotes.

Submission:

Labcorp Genetics (formerly Invitae), Labcorp
Classification: Uncertain significance for Autosomal recessive limb-girdle muscular dystrophy type 2Q; Epidermolysis bullosa simplex, Ogna type; Epidermolysis bullosa simplex with nail dystrophy; Epidermolysis bullosa simplex 5C, with pyloric atresia; Epidermolysis bullosa simplex 5B, with muscular dystrophy. Last evaluated: 2024-01-26. Review status: criteria provided, single submitter. Criteria: Invitae Variant Classification Sherloc (09022015). Collection method: clinical testing. Allele origin: germline.
Comment: This sequence change replaces alanine, which is neutral and non-polar, with serine, which is neutral and polar, at codon 1872 of the PLEC protein (p.Ala1872Ser). This variant is not present in population databases (gnomAD no frequency). This variant has not been reported in the literature in individuals affected with PLEC-related conditions. Experimental studies and prediction algorithms are not available or were not evaluated, and the functional significance of this variant is currently unknown. In summary, the available evidence is currently insufficient to determine the role of this variant in disease. Therefore, it has been classified as a Variant of Uncertain Significance.